The following is an entry in ClinVar:

ClinVar aggregate classification (germline): Uncertain significance (1 of 4 stars; one submission).

Submission:

GeneDx
Classification: Uncertain significance. Last evaluated: 2023-10-19. Review status: criteria provided, single submitter. Criteria: GeneDx Variant Classification Process June 2021. Collection method: clinical testing. Allele origin: germline. Affected: yes.
Comment: Has not been previously published as pathogenic or benign to our knowledge; Not observed at significant frequency in large population cohorts (gnomAD); In silico analysis supports that this missense variant has a deleterious effect on protein structure/function

NM_015057.5(MYCBP2):c.5416G>A (p.Asp1806Asn)

Gene: MYCBP2 (MYC binding protein 2; minus strand). Cytogenetic location: 13q22.3.
Variant type: single nucleotide variant.
Coding change: c.5416G>A on transcript NM_015057.5 (MANE Select); coding-DNA position 5416, G replaced by A.
Protein change: p.Asp1806Asn; replaces aspartic acid 1806 with asparagine.
Molecular consequence: missense variant.
Genome position (GRCh38, 1-based): chr13:77,176,553, C>T on the plus strand (G>A on the coding strand, the complement: MYCBP2 is on the minus strand). VCF-style: chr13-77176553-C-T. GRCh37 (hg19) VCF-style: chr13-77750688-C-T.
Other names: short protein forms D1806N.
Identifiers: ClinVar variation 3366095 (VCV003366095.1).
Genomic context (GRCh38, chr13:77,176,553, plus strand): 5'-CTACCTTTAAAGGAACCACTTTGTCAAGTCTGATCTCAGCTATATCACTGGGTGAGTCAT[C>T]CGTTGTGTACGTTCCTTTCACTAATTCCAGAGATGTCCATCTGTGGGAATGAGTTGAATC-3'
Protein context (NP_055872.4, residues 1796-1816): LELVKGTYTT[Asp1806Asn]DSPSDIAEIR